The following is an entry in ClinVar:

ClinVar aggregate classification (germline): Uncertain significance (1 of 4 stars; one submission).

Conditions:
Primary familial hypertrophic cardiomyopathy (HCM). Identifiers: Orphanet 99739, MedGen C0949658, MeSH D024741, MONDO:0024573. Inheritance: Various modes of inheritance.

Allele frequency attached by ClinVar (database versions not stated): TOPMed 0.00002; ExAC 0.00004; gnomAD exomes 0.00004.
gnomAD v4.1: 55 of 1,613,750 alleles (0.0034%); highest among the groups gnomAD compares: Admixed American, 0.015%; no homozygotes.

Submission:

Labcorp Genetics (formerly Invitae), Labcorp
Classification: Uncertain significance for Primary familial hypertrophic cardiomyopathy. Last evaluated: 2024-08-06. Review status: criteria provided, single submitter. Criteria: Invitae Variant Classification Sherloc (09022015). Collection method: clinical testing. Allele origin: germline.
Comment: This sequence change replaces aspartic acid, which is acidic and polar, with tyrosine, which is neutral and polar, at codon 113 of the ILK protein (p.Asp113Tyr). This variant is present in population databases (rs764104201, gnomAD 0.02%). This variant has not been reported in the literature in individuals affected with ILK-related conditions. ClinVar contains an entry for this variant (Variation ID: 463182). An algorithm developed to predict the effect of missense changes on protein structure and function (PolyPhen-2) suggests that this variant is likely to be disruptive. In summary, the available evidence is currently insufficient to determine the role of this variant in disease. Therefore, it has been classified as a Variant of Uncertain Significance.

NM_004517.4(ILK):c.337G>T (p.Asp113Tyr)

Genes: TAF10 (TATA-box binding protein associated factor 10; minus strand), ILK (integrin linked kinase; plus strand). Cytogenetic location: 11p15.4.
Variant type: single nucleotide variant.
Coding change: c.337G>T on transcript NM_004517.4 (MANE Select); coding-DNA position 337, G replaced by T.
Protein change: p.Asp113Tyr; replaces aspartic acid 113 with tyrosine.
Molecular consequence: missense variant. On other transcripts: 5 prime UTR variant (1), 3 prime UTR variant (1).
Genome position (GRCh38, 1-based): chr11:6,608,475, G>T. VCF-style: chr11-6608475-G-T. GRCh37 (hg19) VCF-style: chr11-6629705-G-T.
Other names: c.337G>T, p.Asp113Tyr (NM_001014794.3, NM_001014795.3, NM_001278441.2); c.-66G>T (NM_001278442.2); c.*2447C>A (NM_006284.4); short protein forms D113Y.
Identifiers: ClinVar variation 463182 (VCV000463182.11), dbSNP rs764104201, ClinGen allele CA5858017.